The following is an entry in ClinVar:

NM_000059.4(BRCA2):c.5987C>A (p.Ala1996Glu)

Gene: BRCA2 (BRCA2 DNA repair associated; plus strand). Cytogenetic location: 13q13.1.
Variant type: single nucleotide variant.
Coding change: c.5987C>A on transcript NM_000059.4 (MANE Select); coding-DNA position 5987, C replaced by A.
Protein change: p.Ala1996Glu; replaces alanine 1996 with glutamic acid.
Molecular consequence: missense variant. On other transcripts: non-coding transcript variant (1), intron variant (2).
Genome position (GRCh38, 1-based): chr13:32,340,342, C>A. VCF-style: chr13-32340342-C-A. GRCh37 (hg19) VCF-style: chr13-32914479-C-A.
Other names: c.5987C>A, p.Ala1996Glu (NM_001406719.1, NM_001406720.1); c.1910-4216C>A (NM_001406721.1); c.425-4216C>A (NM_001406722.1); short protein forms A1996E.
Identifiers: ClinVar variation 2451479 (VCV002451479.2), dbSNP rs80358834, ClinGen allele CA387787653.
Genomic context (GRCh38, chr13:32,340,342, plus strand): 5'-GGATTTTTAGCACAGCAAGTGGAAAATCTGTCCAGGTATCAGATGCTTCATTACAAAACG[C>A]AAGACAAGTGTTTTCTGAAATAGAAGATAGTACCAAGCAAGTCTTTTCCAAAGTATTGTT-3'
Protein context (NP_000050.3, residues 1986-2006): VQVSDASLQN[Ala1996Glu]RQVFSEIEDS

ClinVar aggregate classification (germline): Uncertain significance (1 of 4 stars; one submission).

Conditions:
Hereditary cancer-predisposing syndrome. Also called: Neoplastic Syndromes, Hereditary; Tumor predisposition; Hereditary neoplastic syndrome; Hereditary Cancer Syndrome. Identifiers: Orphanet 140162, MedGen C0027672, MeSH D009386, MONDO:0015356.

Submission:

Ambry Genetics
Classification: Uncertain significance for Hereditary cancer-predisposing syndrome. Last evaluated: 2022-11-10. Review status: criteria provided, single submitter. Criteria: Ambry Variant Classification Scheme 2023. Collection method: clinical testing. Allele origin: germline.
Comment: The p.A1996E variant (also known as c.5987C>A), located in coding exon 10 of the BRCA2 gene, results from a C to A substitution at nucleotide position 5987. The alanine at codon 1996 is replaced by glutamic acid, an amino acid with dissimilar properties. This amino acid position is conserved. In addition, this alteration is predicted to be deleterious by in silico analysis. Since supporting evidence is limited at this time, the clinical significance of this alteration remains unclear.